The following is an entry in ClinVar:

NM_004174.4(SLC9A3):c.1813C>T (p.Arg605Trp)

Genes: SLC9A3 (solute carrier family 9 member A3), SLC9A3-AS1 (SLC9A3 antisense RNA 1; plus strand). Cytogenetic location: 5p15.33.
Variant type: single nucleotide variant.
Coding change: c.1813C>T on transcript NM_004174.4 (MANE Select); coding-DNA position 1813, C replaced by T.
Protein change: p.Arg605Trp; replaces arginine 605 with tryptophan.
Molecular consequence: missense variant.
Genome position (GRCh38, 1-based): chr5:476,620, G>A on the plus strand (C>T on the coding strand, the complement: SLC9A3 is on the minus strand). VCF-style: chr5-476620-G-A. GRCh37 (hg19) VCF-style: chr5-476735-G-A.
Other names: c.1786C>T, p.Arg596Trp (NM_001284351.3); short protein forms R596W, R605W.
Identifiers: ClinVar variation 1001510 (VCV001001510.5), dbSNP rs371725135, ClinGen allele CA3175701.

ClinVar aggregate classification (germline): Uncertain significance (1 of 4 stars; one submission).

Allele frequency attached by ClinVar (database versions not stated): ExAC 0.00001; gnomAD 0.00003 and 0.00004; ESP Exome Variant Server 0.00008; TOPMed 0.00010.
gnomAD v4.1: 24 of 1,609,386 alleles (0.0015%); highest among the groups gnomAD compares: African/African-American, 0.0053%; no homozygotes.

Submission:

Labcorp Genetics (formerly Invitae), Labcorp
Classification: Uncertain significance. Last evaluated: 2024-12-02. Review status: criteria provided, single submitter. Criteria: Invitae Variant Classification Sherloc (09022015). Collection method: clinical testing. Allele origin: germline.
Comment: This sequence change replaces arginine, which is basic and polar, with tryptophan, which is neutral and slightly polar, at codon 605 of the SLC9A3 protein (p.Arg605Trp). This variant is present in population databases (rs371725135, gnomAD 0.007%). This variant has not been reported in the literature in individuals affected with SLC9A3-related conditions. ClinVar contains an entry for this variant (Variation ID: 1001510). An algorithm developed to predict the effect of missense changes on protein structure and function (PolyPhen-2) suggests that this variant is likely to be disruptive. In summary, the available evidence is currently insufficient to determine the role of this variant in disease. Therefore, it has been classified as a Variant of Uncertain Significance.